The following is an entry in ClinVar:

NM_001267550.2(TTN):c.68941del (p.Trp22981fs)

Genes: TTN-AS1 (TTN antisense RNA 1; plus strand), TTN (titin; minus strand). Cytogenetic location: 2q31.2.
Variant type: Deletion.
Coding change: c.68941del on transcript NM_001267550.2 (MANE Select); coding-DNA position 68941, one base deleted (T; older notation c.68941delT).
Protein change: p.Trp22981fs; shifts the reading frame from tryptophan 22981.
Molecular consequence: frameshift variant.
Genome position (GRCh38, 1-based): chr2:178,577,394, A deleted on the plus strand (T on the coding strand, the reverse complement: TTN is on the minus strand); the first of 2 consecutive A bases (chr2:178,577,394-178,577,395); deleting either gives the same sequence. VCF-style (leftmost placement, unchanged base first): chr2-178577393-CA-C. GRCh37 (hg19) VCF-style: chr2-179442120-CA-C.
Other names: c.64018del, p.Trp21340fs (NM_001256850.1); c.41746del, p.Trp13916fs (NM_003319.4); c.61237del, p.Trp20413fs (NM_133378.4); c.42121del, p.Trp14041fs (NM_133432.3); c.42322del, p.Trp14108fs (NM_133437.4); c.68941delT (NM_001267550.2); short protein forms W22981fs, W13916fs, W14041fs, W20413fs, W21340fs, W14108fs.
Identifiers: ClinVar variation 664105 (VCV000664105.1), dbSNP rs1575831755, ClinGen allele CA915942157.

ClinVar aggregate classification (germline): Likely pathogenic (1 of 4 stars; one submission).

Conditions:
Dilated cardiomyopathy 1G (CMD1G). Identifiers: Orphanet 154, MedGen C1858763, MONDO:0011400, OMIM 604145.
Autosomal recessive limb-girdle muscular dystrophy type 2J (LGMDR10). Also called: MUSCULAR DYSTROPHY, LIMB-GIRDLE, AUTOSOMAL RECESSIVE 10; Limb-girdle muscular dystrophy, type 2J. Identifiers: Orphanet 140922, MedGen C1837342, MONDO:0012127, OMIM 608807.

Submission:

Labcorp Genetics (formerly Invitae), Labcorp
Classification: Likely pathogenic for Dilated cardiomyopathy 1G; Limb-girdle muscular dystrophy, type 2J. Last evaluated: 2018-10-17. Review status: criteria provided, single submitter. Criteria: Invitae Variant Classification Sherloc (09022015). Collection method: clinical testing. Allele origin: germline.
Comment: This sequence change results in a premature translational stop signal in the TTN gene (p.Trp22981Glyfs*16).Â¬â€ While this is not anticipated to result in nonsense mediated decay, it is expected to create a truncated TTN protein. This variant is not present in population databases (ExAC no frequency). This variant has not been reported in the literature in individuals with TTN-related disease. Experimental studies and prediction algorithms are not available for this variant, and the functional significance of the affected amino acid(s) is currently unknown. This variant is located in the A band of TTN (PMID: 25589632). Truncating variants in this region are significantly overrepresented in patients affected with dilated cardiomyopathy (PMID: 25589632). Truncating variants in this region have also been reported in individuals affected with autosomal recessive centronuclear myopathy (PMID: 23975875). In summary, the currently available evidence indicates that the variant is pathogenic, but additional data are needed to prove that conclusively. Therefore, this variant has been classified as Likely Pathogenic.

Literature cited by the submitters: PubMed 25589632; PubMed 23975875.